The following is an entry in ClinVar:

ClinVar aggregate classification (germline): Uncertain significance (1 of 4 stars; one submission).

Conditions:
Gastrointestinal stromal tumor. Also called: Gastrointestinal stroma tumor; Gastrointestinal stromal tumor, somatic. Identifiers: Orphanet 44890, MedGen C0238198, MeSH D046152, MONDO:0011719, OMIM 606764, HP:0100723.

gnomAD v4.1: 1 of 1,605,838 alleles (0.000062%); highest among the groups gnomAD compares: South Asian, 0.0011%; no homozygotes.

Submission:

Labcorp Genetics (formerly Invitae), Labcorp
Classification: Uncertain significance for Gastrointestinal stromal tumor. Last evaluated: 2022-07-19. Review status: criteria provided, single submitter. Criteria: Invitae Variant Classification Sherloc (09022015). Collection method: clinical testing. Allele origin: germline.
Comment: This variant has not been reported in the literature in individuals affected with PDGFRA-related conditions. In summary, the available evidence is currently insufficient to determine the role of this variant in disease. Therefore, it has been classified as a Variant of Uncertain Significance. Algorithms developed to predict the effect of sequence changes on RNA splicing suggest that this variant may disrupt the consensus splice site. ClinVar contains an entry for this variant (Variation ID: 1466564). This variant is not present in population databases (gnomAD no frequency). This sequence change falls in intron 10 of the PDGFRA gene. It does not directly change the encoded amino acid sequence of the PDGFRA protein.

NM_006206.6(PDGFRA):c.1559-10T>G

Gene: PDGFRA (platelet derived growth factor receptor alpha; plus strand). Cytogenetic location: 4q12.
Variant type: single nucleotide variant.
Coding change: c.1559-10T>G on transcript NM_006206.6 (MANE Select); 10 bases into the intron before coding-DNA position 1559, T replaced by G.
Molecular consequence: intron variant.
Genome position (GRCh38, 1-based): chr4:54,274,521, T>G. VCF-style: chr4-54274521-T-G. GRCh37 (hg19) VCF-style: chr4-55140688-T-G.
Other names: c.1634-10T>G (NM_001347828.2); c.1559-10T>G (NM_001347827.2, NM_001347829.2); c.1598-10T>G (NM_001347830.2).
Identifiers: ClinVar variation 1466564 (VCV001466564.8), dbSNP rs1015210113, ClinGen allele CA2573137835.